The following is an entry in ClinVar:

NM_032737.4(LMNB2):c.1350C>A (p.Ser450Arg)

Gene: LMNB2 (lamin B2; minus strand). Cytogenetic location: 19p13.3.
Variant type: single nucleotide variant.
Coding change: c.1350C>A on transcript NM_032737.4 (MANE Select); coding-DNA position 1350, C replaced by A.
Protein change: p.Ser450Arg; replaces serine 450 with arginine.
Molecular consequence: missense variant.
Genome position (GRCh38, 1-based): chr19:2,433,958, G>T on the plus strand (C>A on the coding strand, the complement: LMNB2 is on the minus strand). VCF-style: chr19-2433958-G-T. GRCh37 (hg19) VCF-style: chr19-2433956-G-T.
Other names: short protein forms S450R.
Identifiers: ClinVar variation 1384046 (VCV001384046.6), dbSNP rs765785713, ClinGen allele CA403251845.

ClinVar aggregate classification (germline): Uncertain significance (1 of 4 stars; one submission).

Conditions:
Lipodystrophy, partial, acquired, susceptibility to (APLD). Also called: APLD, SUSCEPTIBILITY TO. Identifiers: MedGen C3887501, MONDO:0100476, OMIM 608709.
Progressive myoclonic epilepsy type 9. Identifiers: Orphanet 457265, MedGen C4225289, MONDO:0014685, OMIM 616540.

gnomAD v4.1: 5 of 1,611,354 alleles (0.00031%); highest among the groups gnomAD compares: Middle Eastern, 0.017%; no homozygotes.

Submission:

Labcorp Genetics (formerly Invitae), Labcorp
Classification: Uncertain significance for Progressive myoclonic epilepsy type 9; Lipodystrophy, partial, acquired, susceptibility to. Last evaluated: 2023-07-17. Review status: criteria provided, single submitter. Criteria: Invitae Variant Classification Sherloc (09022015). Collection method: clinical testing. Allele origin: germline.
Comment: In summary, the available evidence is currently insufficient to determine the role of this variant in disease. Therefore, it has been classified as a Variant of Uncertain Significance. An algorithm developed to predict the effect of missense changes on protein structure and function (PolyPhen-2) suggests that this variant is likely to be tolerated. ClinVar contains an entry for this variant (Variation ID: 1384046). This variant has not been reported in the literature in individuals affected with LMNB2-related conditions. The frequency data for this variant in the population databases is considered unreliable, as metrics indicate poor data quality at this position in the gnomAD database. This sequence change replaces serine, which is neutral and polar, with arginine, which is basic and polar, at codon 450 of the LMNB2 protein (p.Ser450Arg).